The following is an entry in ClinVar:

ClinVar aggregate classification (germline): Conflicting classifications of pathogenicity. Review status: criteria provided, conflicting classifications (1 of 4 stars). 9 submissions from 9 submitters: Uncertain significance (6); Likely benign (1). 2 of the submissions do not count toward it. Last evaluated 2026-01-12.

Conditions:
Cardiovascular phenotype. Identifiers: MedGen CN230736.
Distal myopathy with posterior leg and anterior hand involvement. Also called: WILLIAMS DISTAL MYOPATHY. Identifiers: Orphanet 63273, MedGen C3279722, MONDO:0013550, OMIM 614065.
Myofibrillar myopathy 5. Also called: Filaminopathy (type); FILAMINOPATHY, AUTOSOMAL DOMINANT. Identifiers: Orphanet 171445, MedGen C1836050, MONDO:0012289, OMIM 609524.
Hypertrophic cardiomyopathy 26. Also called: Cardiomyopathy, familial hypertrophic, 26. Identifiers: Orphanet 75249, MedGen C4310749, MONDO:0014883, OMIM 617047.

Allele frequency attached by ClinVar (database versions not stated): gnomAD 0.00001; TOPMed 0.00001; ExAC 0.00002; gnomAD exomes 0.00002.
gnomAD v4.1: 44 of 1,613,134 alleles (0.0027%); highest among the groups gnomAD compares: Non-Finnish European, 0.0036%; no homozygotes.

Submissions (9):

Labcorp Genetics (formerly Invitae), Labcorp
Classification: Uncertain significance for Distal myopathy with posterior leg and anterior hand involvement; Myofibrillar myopathy 5; Hypertrophic cardiomyopathy 26. Last evaluated: 2026-01-12. Review status: criteria provided, single submitter. Criteria: Invitae Variant Classification Sherloc (09022015). Collection method: clinical testing. Allele origin: germline.
Comment: This sequence change replaces serine, which is neutral and polar, with asparagine, which is neutral and polar, at codon 2461 of the FLNC protein (p.Ser2461Asn). This variant is present in population databases (rs550547714, gnomAD 0.005%). This missense change has been observed in individual(s) with frontotemporal dementia and/or muscle weakness (PMID: 26555887, 31127727). ClinVar contains an entry for this variant (Variation ID: 282755). An algorithm developed to predict the effect of missense changes on protein structure and function outputs the following: PolyPhen-2: "Benign". The asparagine amino acid residue is found in multiple mammalian species, which suggests that this missense change does not adversely affect protein function. In summary, the available evidence is currently insufficient to determine the role of this variant in disease. Therefore, it has been classified as a Variant of Uncertain Significance.

Molecular Diagnostic Laboratory for Inherited Cardiovascular Disease, Montreal Heart Institute
Classification: Uncertain significance for Cardiovascular phenotype. Last evaluated: 2025-04-09. Review status: criteria provided, single submitter. Criteria: ACMG Guidelines, 2015. Collection method: clinical testing. Allele origin: germline. Affected: yes.

Blueprint Genetics
Classification: Likely benign. Last evaluated: 2024-11-25. Review status: criteria provided, single submitter. Criteria: ACMG Guidelines, 2015. Collection method: clinical testing. Allele origin: germline.

Revvity Omics, Revvity
Classification: Uncertain significance. Last evaluated: 2020-12-31. Review status: criteria provided, single submitter. Criteria: ACMG Guidelines, 2015. Collection method: clinical testing. Allele origin: germline.

Ambry Genetics
Classification: Uncertain significance for Cardiovascular phenotype. Last evaluated: 2019-12-19. Review status: criteria provided, single submitter. Criteria: Ambry Variant Classification Scheme 2023. Collection method: clinical testing. Allele origin: germline.
Comment: The p.S2461N variant (also known as c.7382G>A), located in coding exon 44 of the FLNC gene, results from a G to A substitution at nucleotide position 7382. The serine at codon 2461 is replaced by asparagine, an amino acid with highly similar properties. This variant was detected in one individual from a frontotemporal dementia cohort with no known myopathy findings (Janssens J et al. Acta Neuropathol Commun, 2015 Nov;3:68). This amino acid position is well conserved in available vertebrate species; however, asparagine is the reference amino acid in other vertebrate species. In addition, this alteration is predicted to be tolerated by in silico analysis. Since supporting evidence is limited at this time, the clinical significance of this alteration remains unclear.

GeneDx
Classification: Uncertain significance. Last evaluated: 2019-09-11. Review status: criteria provided, single submitter. Criteria: GeneDx Variant Classification Process June 2021. Collection method: clinical testing. Allele origin: germline. Affected: yes.
Comment: Has not been previously reported in association with FLNC-related disease to our knowledge; Reported in ClinVar as a variant of uncertain significance (ClinVar Variant ID# 282755; Landrum et al., 2016); In silico analysis, which includes protein predictors and evolutionary conservation, supports that this variant does not alter protein structure/function; This variant is associated with the following publications: (PMID: 31127727, 26555887)

Eurofins Ntd Llc (ga)
Classification: Uncertain significance. Last evaluated: 2015-08-25. Review status: criteria provided, single submitter. Criteria: EGL Classification Definitions 2015. Collection method: clinical testing. Allele origin: germline. Observed: 1 variant allele, 1 heterozygote.

Clinical Genetics, Academic Medical Center
Classification: Uncertain significance. Review status: no assertion criteria provided. Collection method: clinical testing. Allele origin: germline. Affected: yes. Study: VKGL Data-share Consensus. Not counted in ClinVar's aggregate classification.

Genome Diagnostics Laboratory, University Medical Center Utrecht
Classification: Uncertain significance. Review status: no assertion criteria provided. Collection method: clinical testing. Allele origin: germline. Affected: yes. Study: VKGL Data-share Consensus. Not counted in ClinVar's aggregate classification.

Literature cited by the submitters: PubMed 26555887 (cited by Labcorp Genetics (formerly Invitae), Labcorp and Ambry Genetics); PubMed 31127727 (cited by Labcorp Genetics (formerly Invitae), Labcorp).

NM_001458.5(FLNC):c.7382G>A (p.Ser2461Asn)

Genes: FLNC (filamin C; plus strand), FLNC-AS1 (FLNC antisense RNA 1; minus strand). Cytogenetic location: 7q32.1.
Variant type: single nucleotide variant.
Coding change: c.7382G>A on transcript NM_001458.5 (MANE Select); coding-DNA position 7382, G replaced by A.
Protein change: p.Ser2461Asn; replaces serine 2461 with asparagine.
Molecular consequence: missense variant.
Genome position (GRCh38, 1-based): chr7:128,856,648, G>A. VCF-style: chr7-128856648-G-A. GRCh37 (hg19) VCF-style: chr7-128496702-G-A.
Other names: c.7283G>A, p.Ser2428Asn (NM_001127487.2); short protein forms S2461N, S2428N.
Identifiers: ClinVar variation 282755 (VCV000282755.19), dbSNP rs550547714, ClinGen allele CA4476246.
Genomic context (GRCh38, chr7:128,856,648, plus strand): 5'-ATGCCCGGGTGCACACACCCTCGGGGGCTGTGGAGGAGTGCTACGTCTCTGAGCTGGACA[G>A]TGGTGAGCTGGCCCTGCCCCTGCCAACTCCCTTCCGGGCTGGGGCCTTCTGGGGAGGGGA-3'
Protein context (NP_001449.3, residues 2451-2471): VEECYVSELD[Ser2461Asn]DKHTIRFIPH